The following is an entry in ClinVar:

ClinVar aggregate classification (germline): Likely benign. Review status: criteria provided, multiple submitters, no conflicts (2 of 4 stars). 2 submissions from 2 submitters: Likely benign (2). Last evaluated 2026-09-09.

Conditions:
SERPINC1-related disorder. Also called: SERPINC1-related condition.
Hereditary antithrombin deficiency (AT3D). Also called: Antithrombin deficiency; Reduced antithrombin III activity; Antithrombin III deficiency; Thrombophilia due to antithrombin III deficiency. Identifiers: Orphanet 82, MedGen C0272375, MONDO:0013144, OMIM 613118, HP:0001976.

Allele frequency attached by ClinVar (database versions not stated): TOPMed 0.00003; gnomAD 0.00007; gnomAD exomes 0.00012; ExAC 0.00035; 1000 Genomes Project 30x 0.00047; 1000 Genomes Project 0.00060.
gnomAD v4.1: 183 of 1,614,106 alleles (0.011%); highest among the groups gnomAD compares: South Asian, 0.19%; 1 homozygote.

Submissions (2):

PreventionGenetics, part of Exact Sciences
Classification: Likely benign for SERPINC1-related condition. Last evaluated: 2026-09-09. Review status: criteria provided, single submitter. Criteria: ACMG Guidelines, 2015. Collection method: clinical testing. Allele origin: germline.
Comment: This variant is classified as likely benign based on ACMG/AMP sequence variant interpretation guidelines (Richards et al. 2015 PMID: 25741868, with internal and published modifications).

Labcorp Genetics (formerly Invitae), Labcorp
Classification: Likely benign for Hereditary antithrombin deficiency. Last evaluated: 2025-09-14. Review status: criteria provided, single submitter. Criteria: Invitae Variant Classification Sherloc (09022015). Collection method: clinical testing. Allele origin: germline.

NM_000488.4(SERPINC1):c.878G>A (p.Arg293Gln)

Gene: SERPINC1 (serpin family C member 1; minus strand). Cytogenetic location: 1q25.1.
Variant type: single nucleotide variant.
Coding change: c.878G>A on transcript NM_000488.4 (MANE Select); coding-DNA position 878, G replaced by A.
Protein change: p.Arg293Gln; replaces arginine 293 with glutamine.
Molecular consequence: missense variant.
Genome position (GRCh38, 1-based): chr1:173,909,827, C>T on the plus strand (G>A on the coding strand, the complement: SERPINC1 is on the minus strand). VCF-style: chr1-173909827-C-T. GRCh37 (hg19) VCF-style: chr1-173878965-C-T.
Other names: c.734G>A, p.Arg245Gln (NM_001365052.2); c.1001G>A, p.Arg334Gln (NM_001386302.1); c.959G>A, p.Arg320Gln (NM_001386303.1); c.857G>A, p.Arg286Gln (NM_001386304.1); c.821G>A, p.Arg274Gln (NM_001386305.1); c.662G>A, p.Arg221Gln (NM_001386306.1); short protein forms R274Q, R293Q, R286Q, R221Q, R245Q, R320Q, R334Q.
Identifiers: ClinVar variation 2886088 (VCV002886088.4), dbSNP rs572313182, ClinGen allele CA1251318.